The following is an entry in ClinVar:

ClinVar aggregate classification (germline): Conflicting classifications of pathogenicity. Review status: criteria provided, conflicting classifications (1 of 4 stars). 2 submissions from 2 submitters: Likely pathogenic (1); Uncertain significance (1). Last evaluated 2023-01-24.

Conditions:
PLA2G6-associated neurodegeneration (PLAN). Also called: phospholipase A2-associated neurodegeneration. Identifiers: Orphanet 329303, MedGen CN204472, MONDO:0017998.

Allele frequency attached by ClinVar (database versions not stated): gnomAD exomes below 0.00001; ExAC 0.00001; 1000 Genomes Project 30x 0.00031; gnomAD 0.00001; 1000 Genomes Project 0.00020.
gnomAD v4.1: 1 of 1,613,482 alleles (0.000062%); highest among the groups gnomAD compares: Admixed American, 0.0017%; no homozygotes.

Submissions (2):

Broad Center for Mendelian Genomics, Broad Institute of MIT and Harvard
Classification: Uncertain significance for PLA2G6-associated neurodegeneration. Last evaluated: 2023-01-24. Review status: criteria provided, single submitter. Criteria: ACMG Guidelines, 2015. Collection method: curation. Allele origin: germline. Inheritance: Autosomal recessive inheritance.
Comment: The p.Pro660Arg variant in PLA2G6 has not been previously reported in the literature in individuals with PLA2G6-associated neurodegeneration but has been identified in 0.003% (1/34474) of Latino/Admixed American chromosomes by the Genome Aggregation Database (gnomAD; dbSNP ID: rs547175863). Although this variant has been seen in the general population in a heterozygous state, its frequency is low enough to be consistent with a recessive carrier frequency. This variant has also been reported in ClinVar (Variation ID#: 372976) and has been interpreted as likely pathogenic by GeneDx. Computational prediction tools and conservation analyses suggest that this variant may impact the protein, though this information is not predictive enough to determine pathogenicity. In summary, the clinical significance of the p.Pro660Arg variant is uncertain. ACMG/AMP Criteria applied: PP3, PM2_supporting (Richards 2015).

GeneDx
Classification: Likely pathogenic. Last evaluated: 2016-06-23. Review status: criteria provided, single submitter. Criteria: GeneDx Variant Classification (06012015). Collection method: clinical testing. Allele origin: germline. Affected: yes.
Comment: The P660R variant in the PLA2G6 gene has not been reported previously as a pathogenic variant, nor as a benign variant, to our knowledge. This variant was not observed in approximately 6500 individuals of European and African American ancestry in the NHLBI Exome Sequencing Project, indicating it is not a common benign variant in these populations. The P660R variant is a non-conservative amino acid substitution, which is likely to impact secondary protein structure as these residues differ in polarity, charge, size and/or other properties. This substitution occurs at a position that is conserved across species, and in silico analysis predicts this variant is probably damaging to the protein structure/function. A missense variant in the same residue (P660T) has been previously reported in association with neurodegeneration with brain iron accumulation (Kurian et al., 2008), supporting the functional importance of this region of the protein. The P660R variant is a strong candidate for a pathogenic variant.

NM_003560.4(PLA2G6):c.1979C>G (p.Pro660Arg)

Gene: PLA2G6 (phospholipase A2 group VI; minus strand). Cytogenetic location: 22q13.1.
Variant type: single nucleotide variant.
Coding change: c.1979C>G on transcript NM_003560.4 (MANE Select); coding-DNA position 1979, C replaced by G.
Protein change: p.Pro660Arg; replaces proline 660 with arginine.
Molecular consequence: missense variant.
Genome position (GRCh38, 1-based): chr22:38,115,582, G>C on the plus strand (C>G on the coding strand, the complement: PLA2G6 is on the minus strand). VCF-style: chr22-38115582-G-C. GRCh37 (hg19) VCF-style: chr22-38511589-G-C.
Other names: NM_003560.4(PLA2G6):c.1979C>G; p.Pro660Arg; c.1817C>G, p.Pro606Arg (NM_001004426.3, NM_001199562.3, NM_001349865.2 and 1 more transcripts); c.1979C>G, p.Pro660Arg (NM_001349864.2); c.1445C>G, p.Pro482Arg (NM_001349867.2); c.1301C>G, p.Pro434Arg (NM_001349868.2); c.1283C>G, p.Pro428Arg (NM_001349869.2); short protein forms P660R, P428R, P482R, P434R, P606R.
Identifiers: ClinVar variation 372976 (VCV000372976.3), dbSNP rs547175863, ClinGen allele CA10230664.